The following is an entry in ClinVar:

NM_004655.4(AXIN2):c.364del (p.Asn121_Leu122insTer)

Gene: AXIN2 (axin 2; minus strand). Cytogenetic location: 17q24.1.
Variant type: Deletion.
Coding change: c.364del on transcript NM_004655.4 (MANE Select); coding-DNA position 364, one base deleted (C; older notation c.364delC).
Protein change: p.Asn121_Leu122insTer.
Molecular consequence: nonsense.
Genome position (GRCh38, 1-based): chr17:65,558,257, G deleted on the plus strand (C on the coding strand, the reverse complement: AXIN2 is on the minus strand); the first of 2 consecutive G bases (chr17:65,558,257-65,558,258); deleting either gives the same sequence. VCF-style (leftmost placement, unchanged base first): chr17-65558256-AG-A. GRCh37 (hg19) VCF-style: chr17-63554374-AG-A.
Other names: c.364del, p.Asn121_Leu122insTer (NM_001363813.1).
Identifiers: ClinVar variation 863651 (VCV000863651.7), dbSNP rs2044303218, ClinGen allele CA916081916.

ClinVar aggregate classification (germline): Pathogenic (1 of 4 stars; one submission).

Conditions:
Oligodontia-cancer predisposition syndrome. Also called: TOOTH AGENESIS-COLORECTAL CANCER SYNDROME. Identifiers: Orphanet 300576, MedGen C1837750, MONDO:0012075, OMIM 608615. Disease mechanism: loss of function.

Submission:

Labcorp Genetics (formerly Invitae), Labcorp
Classification: Pathogenic for Oligodontia-cancer predisposition syndrome. Last evaluated: 2019-02-26. Review status: criteria provided, single submitter. Criteria: Invitae Variant Classification Sherloc (09022015). Collection method: clinical testing. Allele origin: germline.
Comment: For these reasons, this variant has been classified as Pathogenic. This sequence change creates a premature translational stop signal (p.Leu122*) in the AXIN2 gene. It is expected to result in an absent or disrupted protein product. This variant is not present in population databases (ExAC no frequency). This variant has not been reported in the literature in individuals with AXIN2-related conditions. Loss-of-function variants in AXIN2 are known to be pathogenic (PMID: 15042511, 21416598).

Literature cited by the submitters: PubMed 15042511; PubMed 21416598.